The following is an entry in ClinVar:

NM_005720.4(ARPC1B):c.622G>A (p.Val208Ile)

Gene: ARPC1B (actin related protein 2/3 complex subunit 1B; plus strand). Cytogenetic location: 7q22.1.
Variant type: single nucleotide variant.
Coding change: c.622G>A on transcript NM_005720.4 (MANE Select); coding-DNA position 622, G replaced by A.
Protein change: p.Val208Ile; replaces valine 208 with isoleucine.
Molecular consequence: missense variant.
Genome position (GRCh38, 1-based): chr7:99,391,014, G>A. VCF-style: chr7-99391014-G-A. GRCh37 (hg19) VCF-style: chr7-98988637-G-A.
Other names: short protein forms V208I.
Identifiers: ClinVar variation 2067912 (VCV002067912.3), dbSNP rs371760619, ClinGen allele CA4364070.

ClinVar aggregate classification (germline): Uncertain significance. Review status: criteria provided, multiple submitters, no conflicts (2 of 4 stars). 2 submissions from 2 submitters: Uncertain significance (2). Last evaluated 2025-08-16.

Allele frequency attached by ClinVar (database versions not stated): ExAC 0.00001; gnomAD exomes 0.00002; TOPMed 0.00002; gnomAD 0.00003; ESP Exome Variant Server 0.00008.
gnomAD v4.1: 32 of 1,613,974 alleles (0.002%); highest among the groups gnomAD compares: East Asian, 0.018%; no homozygotes.

Submissions (2):

Labcorp Genetics (formerly Invitae), Labcorp
Classification: Uncertain significance. Last evaluated: 2025-08-16. Review status: criteria provided, single submitter. Criteria: Invitae Variant Classification Sherloc (09022015). Collection method: clinical testing. Allele origin: germline.
Comment: This sequence change replaces valine, which is neutral and non-polar, with isoleucine, which is neutral and non-polar, at codon 208 of the ARPC1B protein (p.Val208Ile). This variant is present in population databases (rs371760619, gnomAD 0.006%). This variant has not been reported in the literature in individuals affected with ARPC1B-related conditions. ClinVar contains an entry for this variant (Variation ID: 2067912). Invitae Evidence Modeling of protein sequence and biophysical properties (such as structural, functional, and spatial information, amino acid conservation, physicochemical variation, residue mobility, and thermodynamic stability) indicates that this missense variant is not expected to disrupt ARPC1B protein function with a negative predictive value of 80%. In summary, the available evidence is currently insufficient to determine the role of this variant in disease. Therefore, it has been classified as a Variant of Uncertain Significance.

Blueprint Genetics
Classification: Uncertain significance. Last evaluated: 2023-10-09. Review status: criteria provided, single submitter. Criteria: ACMG Guidelines, 2015. Collection method: clinical testing. Allele origin: germline.